The following is an entry in ClinVar:

ClinVar aggregate classification (germline): Uncertain significance. Review status: criteria provided, multiple submitters, no conflicts (2 of 4 stars). 2 submissions from 2 submitters: Uncertain significance (2). Last evaluated 2018-11-27.

Conditions:
Emery-Dreifuss muscular dystrophy 5, autosomal dominant (EDMD5). Also called: EMERY-DREIFUSS MUSCULAR DYSTROPHY 5. Identifiers: Orphanet 261, MedGen C2751805, MONDO:0013072, OMIM 612999.

Allele frequency attached by ClinVar (database versions not stated): ExAC 0.00001; gnomAD exomes 0.00002 and 0.00004.
gnomAD v4.1: 58 of 1,607,918 alleles (0.0036%); highest among the groups gnomAD compares: Non-Finnish European, 0.0044%; no homozygotes.

Submissions (2):

Labcorp Genetics (formerly Invitae), Labcorp
Classification: Uncertain significance for Emery-Dreifuss muscular dystrophy 5, autosomal dominant. Last evaluated: 2018-11-27. Review status: criteria provided, single submitter. Criteria: Invitae Variant Classification Sherloc (09022015). Collection method: clinical testing. Allele origin: germline.
Comment: In summary, the available evidence is currently insufficient to determine the role of this variant in disease. Therefore, it has been classified as a Variant of Uncertain Significance. Algorithms developed to predict the effect of missense changes on protein structure and function (SIFT, PolyPhen-2, Align-GVGD) all suggest that this variant is likely to be tolerated, but these predictions have not been confirmed by published functional studies and their clinical significance is uncertain. This variant has not been reported in the literature in individuals with SYNE2-related conditions. This variant is present in population databases (rs751800008, ExAC 0.001%). This sequence change replaces leucine with isoleucine at codon 399 of the SYNE2 protein (p.Leu399Ile). The leucine residue is moderately conserved and there is a small physicochemical difference between leucine and isoleucine.

Illumina Laboratory Services, Illumina
Classification: Uncertain significance for Emery-Dreifuss muscular dystrophy 5, autosomal dominant. Last evaluated: 2018-01-12. Review status: criteria provided, single submitter. Criteria: ICSL Variant Classification Criteria 13 December 2019. Collection method: clinical testing. Allele origin: germline.

NM_182914.3(SYNE2):c.1195C>A (p.Leu399Ile)

Gene: SYNE2 (spectrin repeat containing nuclear envelope protein 2; plus strand). Cytogenetic location: 14q23.2.
Variant type: single nucleotide variant.
Coding change: c.1195C>A on transcript NM_182914.3 (MANE Select); coding-DNA position 1195, C replaced by A.
Protein change: p.Leu399Ile; replaces leucine 399 with isoleucine.
Molecular consequence: missense variant.
Genome position (GRCh38, 1-based): chr14:63,976,629, C>A. VCF-style: chr14-63976629-C-A. GRCh37 (hg19) VCF-style: chr14-64443347-C-A.
Other names: c.1195C>A, p.Leu399Ile (NM_015180.6); short protein forms L399I.
Identifiers: ClinVar variation 665378 (VCV000665378.12), dbSNP rs751800008, ClinGen allele CA7219365.